The following is an entry in ClinVar:

ClinVar aggregate classification (germline): Uncertain significance (1 of 4 stars; one submission).

Conditions:
Familial thoracic aortic aneurysm and aortic dissection (TAAD). Also called: Thoracic aortic aneurysms and dissections. Identifiers: Orphanet 91387, MedGen C4707243, MONDO:0019625.

Submission:

Ambry Genetics
Classification: Uncertain significance for Familial thoracic aortic aneurysm and aortic dissection. Last evaluated: 2026-09-04. Review status: criteria provided, single submitter. Criteria: Ambry Variant Classification Scheme 2023. Collection method: clinical testing. Allele origin: germline.
Comment: The p.Q1182H variant (also known as c.3546G>C), located in coding exon 27 of the FBN2 gene, results from a G to C substitution at nucleotide position 3546. The glutamine at codon 1182 is replaced by histidine, an amino acid with highly similar properties. This amino acid position is conserved. In addition, the in silico prediction for this alteration is inconclusive. Based on the available evidence, the clinical significance of this variant remains unclear.

NM_001999.4(FBN2):c.3546G>C (p.Gln1182His)

Gene: FBN2 (fibrillin 2; minus strand). Cytogenetic location: 5q23.3.
Variant type: single nucleotide variant.
Coding change: c.3546G>C on transcript NM_001999.4 (MANE Select); coding-DNA position 3546, G replaced by C.
Protein change: p.Gln1182His; replaces glutamine 1182 with histidine.
Molecular consequence: missense variant.
Genome position (GRCh38, 1-based): chr5:128,338,049, C>G on the plus strand (G>C on the coding strand, the complement: FBN2 is on the minus strand). VCF-style: chr5-128338049-C-G. GRCh37 (hg19) VCF-style: chr5-127673741-C-G.
Other names: short protein forms Q1182H.
Identifiers: ClinVar variation 5021643 (VCV005021643.1).